The following is an entry in ClinVar:

NM_001819.3(CHGB):c.1956+9T>C

Genes: CHGB (chromogranin B; plus strand), LOC126862962 (BRD4-independent group 4 enhancer GRCh37_chr20:5904456-5905655; plus strand). Cytogenetic location: 20p12.3.
Variant type: single nucleotide variant.
Coding change: c.1956+9T>C on transcript NM_001819.3 (MANE Select); 9 bases into the intron after coding-DNA position 1956, T replaced by C.
Molecular consequence: intron variant.
Genome position (GRCh38, 1-based): chr20:5,924,109, T>C. VCF-style: chr20-5924109-T-C. GRCh37 (hg19) VCF-style: chr20-5904755-T-C.
Identifiers: ClinVar variation 781543 (VCV000781543.6), dbSNP rs6117000, ClinGen allele CA9755806.

ClinVar aggregate classification (germline): Benign. Review status: criteria provided, single submitter (1 of 4 stars). 2 submissions from 2 submitters: Benign (1). 1 of the submissions does not count toward it. Last evaluated 2019-12-31.

Conditions:
CHGB-related disorder. Also called: CHGB-related condition.

Allele frequency attached by ClinVar (database versions not stated): gnomAD exomes 0.00183 and 0.00465; ExAC 0.00745; ESP Exome Variant Server 0.01402; gnomAD 0.01472 and 0.01576; TOPMed 0.01733; 1000 Genomes Project 0.01777; 1000 Genomes Project 30x 0.01874.

Submissions (2):

Labcorp Genetics (formerly Invitae), Labcorp
Classification: Benign. Last evaluated: 2019-12-31. Review status: criteria provided, single submitter. Criteria: Invitae Variant Classification Sherloc (09022015). Collection method: clinical testing. Allele origin: germline.

PreventionGenetics, part of Exact Sciences
Classification: Benign for CHGB-related condition. Last evaluated: 2019-05-13. Review status: no assertion criteria provided. Collection method: clinical testing. Allele origin: germline. Not counted in ClinVar's aggregate classification.
Comment: This variant is classified as benign based on ACMG/AMP sequence variant interpretation guidelines (Richards et al. 2015 PMID: 25741868, with internal and published modifications).